The following is an entry in ClinVar:

NM_001144869.3(LIPT2):c.270C>A (p.Thr90=)

Genes: LIPT2 (lipoyl(octanoyl) transferase 2; minus strand), LIPT2-AS1 (LIPT2 antisense RNA 1; plus strand). Cytogenetic location: 11q13.4.
Variant type: single nucleotide variant.
Coding change: c.270C>A on transcript NM_001144869.3 (MANE Select); coding-DNA position 270, C replaced by A.
Protein change: p.Thr90=; no amino-acid change (threonine 90 retained).
Molecular consequence: synonymous variant. On other transcripts: intron variant (1).
Genome position (GRCh38, 1-based): chr11:74,493,434, G>T on the plus strand (C>A on the coding strand, the complement: LIPT2 is on the minus strand). VCF-style: chr11-74493434-G-T. GRCh37 (hg19) VCF-style: chr11-74204479-G-T.
Other names: c.270C>A, p.Thr90= (NM_001329941.2); c.237+33C>A (NM_001329942.2).
Identifiers: ClinVar variation 716319 (VCV000716319.32), dbSNP rs533747475, ClinGen allele CA6184925.
Genomic context (GRCh38, chr11:74,493,434, plus strand): 5'-CAGGCCGAGACGCCGCAGGTCGAGTACCGGGTGGCAAAGCAGCTGGCCCGGGCCGTGGAA[G>T]GTGGCCAGGCCACCGCGGCCTGTGACGCGCACCTCGGCGCCCAAGGCCCGTAGCCGCGCA-3'
Protein context (NP_001138341.1, residues 80-100): VRVTGRGGLA[Thr90=]FHGPGQLLCH

ClinVar aggregate classification (germline): Benign/Likely benign. Review status: criteria provided, multiple submitters, no conflicts (2 of 4 stars). 3 submissions from 3 submitters: Benign (1); Likely benign (1). 1 of the submissions does not count toward it. Last evaluated 2026-09-01.

Conditions:
LIPT2-related disorder. Also called: LIPT2-related condition.

Allele frequency attached by ClinVar (database versions not stated): ExAC 0.00020; gnomAD exomes 0.00023; 1000 Genomes Project 0.00200; 1000 Genomes Project 30x 0.00297; gnomAD 0.00352 and 0.00384; TOPMed 0.00429.
gnomAD v4.1: 983 of 1,505,074 alleles (0.065%); highest among the groups gnomAD compares: African/African-American, 1.2%; 4 homozygotes.

Submissions (3):

CeGaT Center for Human Genetics Tuebingen
Classification: Likely benign. Last evaluated: 2026-09-01. Review status: criteria provided, single submitter. Criteria: CeGaT Center For Human Genetics Tuebingen Variant Classification Criteria Version 2. Collection method: clinical testing. Allele origin: germline. Affected: yes. Observed: 2 variant alleles.
Comment: LIPT2: BP4, BP7, BS1

Labcorp Genetics (formerly Invitae), Labcorp
Classification: Benign. Last evaluated: 2026-01-05. Review status: criteria provided, single submitter. Criteria: Invitae Variant Classification Sherloc (09022015). Collection method: clinical testing. Allele origin: germline.

PreventionGenetics, part of Exact Sciences
Classification: Benign for LIPT2-related condition. Last evaluated: 2019-06-10. Review status: no assertion criteria provided. Collection method: clinical testing. Allele origin: germline. Not counted in ClinVar's aggregate classification.
Comment: This variant is classified as benign based on ACMG/AMP sequence variant interpretation guidelines (Richards et al. 2015 PMID: 25741868, with internal and published modifications).